The following is an entry in ClinVar:

ClinVar aggregate classification (germline): Pathogenic/Likely pathogenic. Review status: criteria provided, multiple submitters, no conflicts (2 of 4 stars). 5 submissions from 5 submitters: Pathogenic (2); Likely pathogenic (3). Last evaluated 2026-03-09.

Conditions:
CEP290-related disorder. Also called: CEP290-related disorders; CEP290-related condition. Identifiers: MedGen CN239314.
CEP290-related ciliopathy. Also called: CEP290 ciliopathy. Identifiers: MedGen CN305601, MONDO:0100451.
Joubert syndrome. Also called: JOUBERT-BOLTSHAUSER SYNDROME; Familial aplasia of the vermis. Identifiers: Orphanet 475, MedGen C5979921, MONDO:0018772.
Nephronophthisis. Also called: Juvenile Nephronophthisis. Identifiers: Orphanet 655, MedGen C0687120, MONDO:0019005, HP:0000090.
Meckel-Gruber syndrome. Also called: DYSENCEPHALIA SPLANCHNOCYSTICA; GRUBER SYNDROME; Dysencephalia splachnocystica. Identifiers: Orphanet 564, MedGen C0265215, MONDO:0018921.
Leber congenital amaurosis 10 (LCA10). Identifiers: Orphanet 65, MedGen C1857821, MONDO:0012723, OMIM 611755.
Bardet-Biedl syndrome 14 (BBS14). Identifiers: Orphanet 110, MedGen C2673874, MONDO:0014442, OMIM 615991.
Joubert syndrome 5 (JBTS5). Identifiers: Orphanet 2318, MedGen C1857780, MONDO:0012432, OMIM 610188.
Senior-Loken syndrome 6 (SLSN6). Identifiers: Orphanet 3156, MedGen C1857779, MONDO:0012433, OMIM 610189.
Meckel syndrome, type 4 (MKS4). Also called: MECKEL-GRUBER SYNDROME, TYPE 4. Identifiers: Orphanet 564, MedGen C1970161, MONDO:0012626, OMIM 611134.

Submissions (5):

Myriad Genetics, Inc.
Classification: Pathogenic for CEP290-related ciliopathy. Last evaluated: 2026-03-09. Review status: criteria provided, single submitter. Criteria: Myriad Autosomal Dominant, Autosomal Recessive and X-Linked Classification Criteria (2023). Collection method: clinical testing. Allele origin: unknown.
Comment: NM_025114.3(CEP290):c.3777_3778delAG(R1259Sfs*16) is a frameshift variant classified as pathogenic in the context of CEP290-related disorders. R1259Sfs*16 has not been observed in cases with relevant disease. Relevant functional assessments of this variant are not available in the literature. R1259Sfs*16 has been observed in referenced population frequency databases. In summary, NM_025114.3(CEP290):c.3777_3778delAG(R1259Sfs*16) is a frameshift variant in a gene where loss of function is a known mechanism of disease and is predicted to disrupt protein function. Please note: this variant was assessed in the context of healthy population screening.

Labcorp Genetics (formerly Invitae), Labcorp
Classification: Pathogenic for Joubert syndrome; Meckel-Gruber syndrome; Nephronophthisis. Last evaluated: 2023-12-16. Review status: criteria provided, single submitter. Criteria: Invitae Variant Classification Sherloc (09022015). Collection method: clinical testing. Allele origin: germline.
Comment: This sequence change creates a premature translational stop signal (p.Arg1259Serfs*16) in the CEP290 gene. It is expected to result in an absent or disrupted protein product. Loss-of-function variants in CEP290 are known to be pathogenic (PMID: 16909394, 17345604, 20690115). This variant is present in population databases (rs765483163, gnomAD 0.002%). This premature translational stop signal has been observed in individual(s) with antenatal features of CEP290-related conditions (PMID: 26862157). For these reasons, this variant has been classified as Pathogenic.

Blueprint Genetics
Classification: Likely pathogenic for CEP290-related disorders. Last evaluated: 2018-10-16. Review status: criteria provided, single submitter. Criteria: ACMG Guidelines, 2015. Collection method: clinical testing. Allele origin: germline. Affected: yes. Observed: 1 variant allele.

Genomic Medicine Center of Excellence, King Faisal Specialist Hospital and Research Centre
Classification: Likely pathogenic. Review status: criteria provided, single submitter. Criteria: ACMG Guidelines, 2015. Collection method: research. Allele origin: germline. Affected: yes.

Juno Genomics, Hangzhou Juno Genomics, Inc
Classification: Likely pathogenic for Bardet-Biedl syndrome 14; Joubert syndrome 5; Leber congenital amaurosis 10; Meckel syndrome, type 4; Senior-Loken syndrome 6. Review status: criteria provided, single submitter. Criteria: ACMG Guidelines, 2015. Collection method: clinical testing. Allele origin: germline.
Comment: Null variant in a gene where loss of function (LOF) is a known mechanism of disease.;Absent from controls (or at extremely low frequency if recessive) in Genome Aggregation Database.

Literature cited by the submitters: PubMed 16909394 (cited by Labcorp Genetics (formerly Invitae), Labcorp); PubMed 17345604 (cited by Labcorp Genetics (formerly Invitae), Labcorp); PubMed 20690115 (cited by Labcorp Genetics (formerly Invitae), Labcorp); PubMed 26862157 (cited by Labcorp Genetics (formerly Invitae), Labcorp).

NM_025114.4(CEP290):c.3777_3778del (p.Arg1259fs)

Gene: CEP290 (centrosomal protein 290; minus strand). Cytogenetic location: 12q21.32.
Variant type: Microsatellite.
Coding change: c.3777_3778del on transcript NM_025114.4 (MANE Select); coding-DNA positions 3777 to 3778, 2 bases deleted (AG; older notation c.3777_3778delAG).
Protein change: p.Arg1259fs; shifts the reading frame from arginine 1259.
Molecular consequence: frameshift variant.
Genome position (GRCh38, 1-based): chr12:88,089,283-88,089,284, CT deleted on the plus strand (AG on the coding strand, the reverse complement: CEP290 is on the minus strand); deleting any 2 consecutive bases within chr12:88,089,283-88,089,286 gives the same sequence; the c. name uses the placement nearest the transcript's 3' end. VCF-style (leftmost placement, unchanged base first): chr12-88089282-GCT-G. GRCh37 (hg19) VCF-style: chr12-88483059-GCT-G.
Other names: short protein forms R1259fs.
Identifiers: ClinVar variation 191278 (VCV000191278.7), dbSNP rs765483163, ClinGen allele CA236395.